The following is an entry in ClinVar:

NM_005477.3(HCN4):c.440G>A (p.Gly147Asp)

Gene: HCN4 (hyperpolarization activated cyclic nucleotide gated potassium channel 4; minus strand). Cytogenetic location: 15q24.1.
Variant type: single nucleotide variant.
Coding change: c.440G>A on transcript NM_005477.3 (MANE Select); coding-DNA position 440, G replaced by A.
Protein change: p.Gly147Asp; replaces glycine 147 with aspartic acid.
Molecular consequence: missense variant.
Genome position (GRCh38, 1-based): chr15:73,367,831, C>T on the plus strand (G>A on the coding strand, the complement: HCN4 is on the minus strand). VCF-style: chr15-73367831-C-T. GRCh37 (hg19) VCF-style: chr15-73660172-C-T.
Other names: short protein forms G147D.
Identifiers: ClinVar variation 1476867 (VCV001476867.6), dbSNP rs2151228539, ClinGen allele CA393098015.

ClinVar aggregate classification (germline): Uncertain significance (1 of 4 stars; one submission).

Conditions:
Brugada syndrome 8 (BRGDA8). Identifiers: Orphanet 130, MedGen C2751083, MONDO:0013148, OMIM 613123.

Submission:

Labcorp Genetics (formerly Invitae), Labcorp
Classification: Uncertain significance for Brugada syndrome 8. Last evaluated: 2023-01-13. Review status: criteria provided, single submitter. Criteria: Invitae Variant Classification Sherloc (09022015). Collection method: clinical testing. Allele origin: germline.
Comment: This sequence change replaces glycine, which is neutral and non-polar, with aspartic acid, which is acidic and polar, at codon 147 of the HCN4 protein (p.Gly147Asp). This variant is not present in population databases (gnomAD no frequency). This variant has not been reported in the literature in individuals affected with HCN4-related conditions. ClinVar contains an entry for this variant (Variation ID: 1476867). Advanced modeling of protein sequence and biophysical properties (such as structural, functional, and spatial information, amino acid conservation, physicochemical variation, residue mobility, and thermodynamic stability) performed at Invitae indicates that this missense variant is not expected to disrupt HCN4 protein function. In summary, the available evidence is currently insufficient to determine the role of this variant in disease. Therefore, it has been classified as a Variant of Uncertain Significance.